The following is an entry in ClinVar:

ClinVar aggregate classification (germline): Uncertain significance (1 of 4 stars; one submission).

Conditions:
Inborn genetic diseases. Identifiers: MedGen C0950123, MeSH D030342.

Submission:

Ambry Genetics
Classification: Uncertain significance for Inborn genetic diseases. Last evaluated: 2025-07-29. Review status: criteria provided, single submitter. Criteria: Ambry Variant Classification Scheme 2023. Collection method: clinical testing. Allele origin: germline.
Comment: The p.E40K variant (also known as c.118G>A), located in coding exon 1 of the SH2B3 gene, results from a G to A substitution at nucleotide position 118. The glutamic acid at codon 40 is replaced by lysine, an amino acid with similar properties. This amino acid position is conserved. In addition, this alteration is predicted to be tolerated by in silico analysis. Based on the available evidence, the clinical significance of this variant remains unclear.

NM_005475.3(SH2B3):c.118G>A (p.Glu40Lys)

Gene: SH2B3 (SH2B adaptor protein 3; plus strand). Cytogenetic location: 12q24.12.
Variant type: single nucleotide variant.
Coding change: c.118G>A on transcript NM_005475.3 (MANE Select); coding-DNA position 118, G replaced by A.
Protein change: p.Glu40Lys; replaces glutamic acid 40 with lysine.
Molecular consequence: missense variant.
Genome position (GRCh38, 1-based): chr12:111,418,263, G>A. VCF-style: chr12-111418263-G-A. GRCh37 (hg19) VCF-style: chr12-111856067-G-A.
Other names: short protein forms E40K.
Identifiers: ClinVar variation 4163969 (VCV004163969.1).